The following is an entry in ClinVar:

NM_138383.3(MTSS2):c.1930G>T (p.Ala644Ser)

Gene: MTSS2 (MTSS I-BAR domain containing 2; minus strand). Cytogenetic location: 16q22.1.
Variant type: single nucleotide variant.
Coding change: c.1930G>T on transcript NM_138383.3 (MANE Select); coding-DNA position 1930, G replaced by T.
Protein change: p.Ala644Ser; replaces alanine 644 with serine.
Molecular consequence: missense variant.
Genome position (GRCh38, 1-based): chr16:70,663,991, C>A on the plus strand (G>T on the coding strand, the complement: MTSS2 is on the minus strand). VCF-style: chr16-70663991-C-A. GRCh37 (hg19) VCF-style: chr16-70697894-C-A.
Other names: short protein forms A644S.
Identifiers: ClinVar variation 4792436 (VCV004792436.1).
Genomic context (GRCh38, chr16:70,663,991, plus strand): 5'-GCTCGTCCTCGGCCCCTGCCCCGGGGTACCCGGCTGCCTCTGGGGATGGGCTGCCCCAGG[C>A]TGTGTTGGGCAGGCTGAGCCTCTTTGGGGAGGCCTTGGCGAGGTCCGGTGCCAGGGGTGA-3'
Protein context (NP_612392.1, residues 634-654): SPKRLSLPNT[Ala644Ser]WGSPSPEAAG

ClinVar aggregate classification (germline): Uncertain significance (1 of 4 stars; one submission).

gnomAD v4.1: 1 of 1,591,668 alleles (0.000063%); highest among the groups gnomAD compares: East Asian, 0.0023%; no homozygotes.

Submission:

Labcorp Genetics (formerly Invitae), Labcorp
Classification: Uncertain significance. Last evaluated: 2024-05-25. Review status: criteria provided, single submitter. Criteria: Invitae Variant Classification Sherloc (09022015). Collection method: clinical testing. Allele origin: germline.
Comment: This sequence change replaces alanine, which is neutral and non-polar, with serine, which is neutral and polar, at codon 644 of the MTSS1L protein (p.Ala644Ser). The frequency data for this variant in the population databases is considered unreliable, as metrics indicate poor data quality at this position in the gnomAD database. This variant has not been reported in the literature in individuals affected with MTSS1L-related conditions. Advanced modeling of protein sequence and biophysical properties (such as structural, functional, and spatial information, amino acid conservation, physicochemical variation, residue mobility, and thermodynamic stability) performed at Invitae indicates that this missense variant is not expected to disrupt MTSS1L protein function with a negative predictive value of 80%. In summary, the available evidence is currently insufficient to determine the role of this variant in disease. Therefore, it has been classified as a Variant of Uncertain Significance.